The following is an entry in ClinVar:

NM_130839.5(UBE3A):c.560A>T (p.Glu187Val)

Genes: SNHG14 (small nucleolar RNA host gene 14; plus strand), UBE3A (ubiquitin protein ligase E3A; minus strand). Cytogenetic location: 15q11.2.
Variant type: single nucleotide variant.
Coding change: c.560A>T on transcript NM_130839.5 (MANE Select); coding-DNA position 560, A replaced by T.
Protein change: p.Glu187Val; replaces glutamic acid 187 with valine.
Molecular consequence: missense variant. On other transcripts: non-coding transcript variant (1), intron variant (2).
Genome position (GRCh38, 1-based): chr15:25,371,614, T>A on the plus strand (A>T on the coding strand, the complement: UBE3A is on the minus strand). VCF-style: chr15-25371614-T-A. GRCh37 (hg19) VCF-style: chr15-25616761-T-A.
Other names: c.383A>T, p.Glu128Val (NM_001354546.2); c.500A>T, p.Glu167Val (NM_001354547.2, NM_001354548.2, NM_001354549.2 and 17 more transcripts); c.301+3851A>T (NM_001354551.2); c.361+3851A>T (NM_001354550.2); c.569A>T, p.Glu190Val (NM_000462.5); c.560A>T, p.Glu187Val (NM_001354505.1, NM_001354538.2, NM_001354545.2); short protein forms E128V, E187V, E190V, E167V.
Identifiers: ClinVar variation 3671352 (VCV003671352.2).

ClinVar aggregate classification (germline): Uncertain significance (1 of 4 stars; one submission).

Conditions:
Angelman syndrome (AS). Also called: HAPPY PUPPET SYNDROME. Identifiers: Orphanet 72, MedGen C0162635, MONDO:0007113, OMIM 105830. Disease mechanism: loss of function. Inheritance: AS is caused by disruption of maternally imprinted UBE3A located within the 15q11.2-q13 Angelman syndrome/Prader-Willi syndrome (AS/PWS) region., imprinting disorder.

gnomAD v4.1: 1 of 1,614,128 alleles (0.000062%); highest among the groups gnomAD compares: Admixed American, 0.0017%; no homozygotes.

Submission:

Labcorp Genetics (formerly Invitae), Labcorp
Classification: Uncertain significance for Angelman syndrome. Last evaluated: 2024-11-13. Review status: criteria provided, single submitter. Criteria: Invitae Variant Classification Sherloc (09022015). Collection method: clinical testing. Allele origin: germline.
Comment: This sequence change replaces glutamic acid, which is acidic and polar, with valine, which is neutral and non-polar, at codon 167 of the UBE3A protein (p.Glu167Val). This variant is not present in population databases (gnomAD no frequency). This variant has not been reported in the literature in individuals affected with UBE3A-related conditions. Invitae Evidence Modeling of protein sequence and biophysical properties (such as structural, functional, and spatial information, amino acid conservation, physicochemical variation, residue mobility, and thermodynamic stability) has been performed for this missense variant. However, the output from this modeling did not meet the statistical confidence thresholds required to predict the impact of this variant on UBE3A protein function. In summary, the available evidence is currently insufficient to determine the role of this variant in disease. Therefore, it has been classified as a Variant of Uncertain Significance.